The following is an entry in ClinVar:

NM_207352.4(CYP4V2):c.231_234del (p.Ile77fs)

Gene: CYP4V2 (cytochrome P450 family 4 subfamily V member 2; plus strand). Cytogenetic location: 4q35.1.
Variant type: Deletion.
Coding change: c.231_234del on transcript NM_207352.4 (MANE Select); coding-DNA positions 231 to 234, 4 bases deleted (CATT; older notation c.231_234delCATT).
Protein change: p.Ile77fs; shifts the reading frame from isoleucine 77.
Molecular consequence: frameshift variant.
Genome position (GRCh38, 1-based): chr4:186,194,516-186,194,519, CATT deleted; deleting any 4 consecutive bases within chr4:186,194,515-186,194,519 gives the same sequence; the c. name uses the placement nearest the transcript's 3' end. VCF-style (leftmost placement, unchanged base first): chr4-186194514-ATCAT-A. GRCh37 (hg19) VCF-style: chr4-187115668-ATCAT-A.
Other names: short protein forms I77fs.
Identifiers: ClinVar variation 2097644 (VCV002097644.4), dbSNP rs2478898289, ClinGen allele CA2580071707.

ClinVar aggregate classification (germline): Pathogenic (1 of 4 stars; one submission).

Submission:

Labcorp Genetics (formerly Invitae), Labcorp
Classification: Pathogenic. Last evaluated: 2022-02-14. Review status: criteria provided, single submitter. Criteria: Invitae Variant Classification Sherloc (09022015). Collection method: clinical testing. Allele origin: germline.
Comment: This sequence change creates a premature translational stop signal (p.Ile77Metfs*13) in the CYP4V2 gene. It is expected to result in an absent or disrupted protein product. Loss-of-function variants in CYP4V2 are known to be pathogenic (PMID: 15042513, 25118264). This variant is not present in population databases (gnomAD no frequency). This variant has not been reported in the literature in individuals affected with CYP4V2-related conditions. For these reasons, this variant has been classified as Pathogenic.

Literature cited by the submitters: PubMed 15042513; PubMed 25118264.